The following is an entry in ClinVar:

NM_005002.5(NDUFA9):c.611C>T (p.Ser204Leu)

Gene: NDUFA9 (NADH:ubiquinone oxidoreductase subunit A9; plus strand). Cytogenetic location: 12p13.32.
Variant type: single nucleotide variant.
Coding change: c.611C>T on transcript NM_005002.5 (MANE Select); coding-DNA position 611, C replaced by T.
Protein change: p.Ser204Leu; replaces serine 204 with leucine.
Molecular consequence: missense variant.
Genome position (GRCh38, 1-based): chr12:4,662,591, C>T. VCF-style: chr12-4662591-C-T. GRCh37 (hg19) VCF-style: chr12-4771757-C-T.
Other names: short protein forms S204L.
Identifiers: ClinVar variation 3021467 (VCV003021467.3), dbSNP rs759983004, ClinGen allele CA6398154.

ClinVar aggregate classification (germline): Uncertain significance (1 of 4 stars; one submission).

Allele frequency attached by ClinVar (database versions not stated): TOPMed 0.00001; gnomAD 0.00002; ExAC 0.00003.
gnomAD v4.1: 20 of 1,613,760 alleles (0.0012%); highest among the groups gnomAD compares: African/African-American, 0.0027%; no homozygotes.

Submission:

Labcorp Genetics (formerly Invitae), Labcorp
Classification: Uncertain significance. Last evaluated: 2023-12-06. Review status: criteria provided, single submitter. Criteria: Invitae Variant Classification Sherloc (09022015). Collection method: clinical testing. Allele origin: germline.
Comment: This sequence change replaces serine, which is neutral and polar, with leucine, which is neutral and non-polar, at codon 204 of the NDUFA9 protein (p.Ser204Leu). This variant is present in population databases (rs759983004, gnomAD 0.007%). This variant has not been reported in the literature in individuals affected with NDUFA9-related conditions. An algorithm developed to predict the effect of missense changes on protein structure and function (PolyPhen-2) suggests that this variant is likely to be tolerated. In summary, the available evidence is currently insufficient to determine the role of this variant in disease. Therefore, it has been classified as a Variant of Uncertain Significance.